The following is an entry in ClinVar:

ClinVar aggregate classification (germline): Benign/Likely benign. Review status: criteria provided, multiple submitters, no conflicts (2 of 4 stars). 6 submissions from 6 submitters: Benign (5); Likely benign (1). Last evaluated 2026-02-01.

Conditions:
COG8-congenital disorder of glycosylation. Also called: CDG IIh; COG8-CDG. Identifiers: Orphanet 95428, MedGen C1970021, MONDO:0012635, OMIM 611182.

Allele frequency attached by ClinVar (database versions not stated): gnomAD exomes 0.00082 and 0.00221; ExAC 0.00294; gnomAD 0.00881 and 0.00951; 1000 Genomes Project 0.00899; TOPMed 0.00968; ESP Exome Variant Server 0.00977; 1000 Genomes Project 30x 0.01046.
gnomAD v4.1: 2,608 of 1,613,924 alleles (0.16%); highest among the groups gnomAD compares: African/African-American, 3%; 36 homozygotes.

Submissions (6):

Labcorp Genetics (formerly Invitae), Labcorp
Classification: Benign for COG8-congenital disorder of glycosylation. Last evaluated: 2026-02-01. Review status: criteria provided, single submitter. Criteria: Invitae Variant Classification Sherloc (09022015). Collection method: clinical testing. Allele origin: germline.

Fulgent Genetics
Classification: Likely benign for COG8-congenital disorder of glycosylation. Last evaluated: 2021-08-26. Review status: criteria provided, single submitter. Criteria: ACMG Guidelines, 2015. Collection method: clinical testing. Allele origin: unknown.

Illumina Laboratory Services, Illumina
Classification: Benign for COG8-congenital disorder of glycosylation. Last evaluated: 2017-04-27. Review status: criteria provided, single submitter. Criteria: ICSL Variant Classification Criteria 13 December 2019. Collection method: clinical testing. Allele origin: germline.
Comment: This variant was observed as part of a predisposition screen in an ostensibly healthy population. A literature search was performed for the gene, cDNA change, and amino acid change (where applicable). No publications were found based on this search. Allele frequency data from public databases was too high to be consistent with this variant causing disease. Therefore, this variant is classified as benign.

GeneDx
Classification: Benign. Last evaluated: 2016-01-27. Review status: criteria provided, single submitter. Criteria: GeneDx Variant Classification (06012015). Collection method: clinical testing. Allele origin: germline. Affected: yes.
Comment: This variant is considered likely benign or benign based on one or more of the following criteria: it is a conservative change, it occurs at a poorly conserved position in the protein, it is predicted to be benign by multiple in silico algorithms, and/or has population frequency not consistent with disease.

Center for Pediatric Genomic Medicine, Children's Mercy Hospital and Clinics
Classification: Benign. Last evaluated: 2015-06-04. Review status: criteria provided, single submitter. Criteria: ACMG Guidelines, 2015. Collection method: clinical testing. Allele origin: germline.

Breakthrough Genomics
Classification: Benign. Review status: criteria provided, single submitter. Criteria: ACMG Guidelines, 2015. Collection method: not provided. Allele origin: germline. Inheritance: Unknown mechanism. Affected: yes.

NM_032382.5(COG8):c.1589C>T (p.Pro530Leu)

Gene: COG8 (component of oligomeric golgi complex 8; minus strand). Cytogenetic location: 16q22.1.
Variant type: single nucleotide variant.
Coding change: c.1589C>T on transcript NM_032382.5 (MANE Select); coding-DNA position 1589, C replaced by T.
Protein change: p.Pro530Leu; replaces proline 530 with leucine.
Molecular consequence: missense variant. On other transcripts: intron variant (2).
Genome position (GRCh38, 1-based): chr16:69,331,089, G>A on the plus strand (C>T on the coding strand, the complement: COG8 is on the minus strand). VCF-style: chr16-69331089-G-A. GRCh37 (hg19) VCF-style: chr16-69364992-G-A.
Other names: c.1730C>T, p.Pro577Leu (NM_001379261.1); c.1589C>T, p.Pro530Leu (NM_001379262.1, NM_001379264.1); c.1628C>T, p.Pro543Leu (NM_001379263.1); c.1414-1910C>T (NM_001379266.1); c.1582+1625C>T (NM_001379265.1); short protein forms P530L, P543L, P577L.
Identifiers: ClinVar variation 235266 (VCV000235266.17), dbSNP rs114861924, ClinGen allele CA8133645.